The following is an entry in ClinVar:

NM_000969.5(RPL5):c.122_144del (p.Lys41fs)

Genes: DIPK1A (divergent protein kinase domain 1A; minus strand), RPL5 (ribosomal protein L5; plus strand). Cytogenetic location: 1p22.1.
Variant type: Deletion.
Coding change: c.122_144del on transcript NM_000969.5 (MANE Select); coding-DNA positions 122 to 144, 23 bases deleted (AAAATAAATACAACACACCCAAA).
Protein change: p.Lys41fs; shifts the reading frame from lysine 41.
Molecular consequence: frameshift variant. On other transcripts: non-coding transcript variant (1), intron variant (1).
Genome position (GRCh38, 1-based): chr1:92,833,593-92,833,615, AAAATAAATACAACACACCCAAA deleted; deleting any 23 consecutive bases within chr1:92,833,592-92,833,615 gives the same sequence; the c. name uses the placement nearest the transcript's 3' end. VCF-style (leftmost placement, unchanged base first): chr1-92833591-TAAAAATAAATACAACACACCCAA-T. GRCh37 (hg19) VCF-style: chr1-93299148-TAAAAATAAATACAACACACCCAA-T.
Other names: c.475-580_475-558del (NM_001252273.2); short protein forms K41fs.
Identifiers: ClinVar variation 1527850 (VCV001527850.6), dbSNP rs2100676969, ClinGen allele CA2573132081.

ClinVar aggregate classification (germline): Likely pathogenic. Review status: criteria provided, multiple submitters, no conflicts (2 of 4 stars). 2 submissions from 2 submitters: Likely pathogenic (2). Last evaluated 2022-10-04.

Conditions:
Diamond-Blackfan anemia 6 (DBA6). Also called: RPL5-Related Diamond-Blackfan Anemia. Identifiers: Orphanet 124, MedGen C2931850, MONDO:0012937, OMIM 612561.

Submissions (2):

Revvity Omics, Revvity
Classification: Likely pathogenic for Diamond-Blackfan anemia 6. Last evaluated: 2022-10-04. Review status: criteria provided, single submitter. Criteria: ACMG Guidelines, 2015. Collection method: clinical testing. Allele origin: germline.

Center for Genomics, Ann and Robert H. Lurie Children's Hospital of Chicago
Classification: Likely pathogenic for Diamond-Blackfan anemia 6. Last evaluated: 2021-09-14. Review status: criteria provided, single submitter. Criteria: ACMG Guidelines, 2015. Collection method: clinical testing. Allele origin: germline.
Comment: RPL5 NM_000969.3 exon 3 p.Lys41Ilefs*64 (c.122_144del): This variant has not been reported in the literature and is not present in large control databases. Evolutionary conservation and computational predictive tools for this variant are limited or unavailable. This variant creates a premature stop codon 64 amino acids downstream from this location which results in an absent or abnormal protein. Loss of function variants are a known mechanism of disease for this gene (Gazda 2008 PMID:19061985; Ulirsch 2018 PMID:30503522). In summary, data on this variant is highly suspicious for disease, but requires further evidence for pathogenicity. Therefore, this variant is classified as likely pathogenic.